The following is an entry in ClinVar:

NM_182919.4(TICAM1):c.*10C>T

Gene: TICAM1 (TIR domain containing adaptor molecule 1; minus strand). Cytogenetic location: 19p13.3.
Variant type: single nucleotide variant.
Coding change: c.*10C>T on transcript NM_182919.4 (MANE Select); 10 bases downstream of the stop codon, C replaced by T.
Molecular consequence: 3 prime UTR variant.
Genome position (GRCh38, 1-based): chr19:4,816,229, G>A on the plus strand (C>T on the coding strand, the complement: TICAM1 is on the minus strand). VCF-style: chr19-4816229-G-A. GRCh37 (hg19) VCF-style: chr19-4816241-G-A.
Identifiers: ClinVar variation 403539 (VCV000403539.5), dbSNP rs1046673, ClinGen allele CA9104984.
Genomic context (GRCh38, chr19:4,816,229, plus strand): 5'-TGCTCTATGGGGTCCTGGCCGATGCCTGGGTCCAGGGGTGTTCCCCAGGTGGTCAGGCAA[G>A]GACACGCGGTCATTCTGCCTCCTGCGTCTTGTCCTCGGGCGCCTGGGACCCTCTCTGGTT-3'

ClinVar aggregate classification (germline): Benign. Review status: criteria provided, multiple submitters, no conflicts (2 of 4 stars). 2 submissions from 2 submitters: Benign (2). Last evaluated 2016-03-29.

Allele frequency attached by ClinVar (database versions not stated): gnomAD exomes 0.14368; ExAC 0.14486; 1000 Genomes Project 0.16394; 1000 Genomes Project 30x 0.17052; gnomAD 0.17844 and 0.18274; TOPMed 0.19107; ESP Exome Variant Server 0.19937.
gnomAD v4.1: 228,286 of 1,502,008 alleles (15%); highest among the groups gnomAD compares: African/African-American, 29%; 18,610 homozygotes.

Submissions (2):

Laboratory for Molecular Medicine, Mass General Brigham Personalized Medicine
Classification: Benign. Last evaluated: 2016-03-29. Review status: criteria provided, single submitter. Criteria: LMM Criteria. Collection method: clinical testing. Allele origin: germline.
Comment: Variant identified in a genome or exome case(s) and assessed due to predicted null impact of the variant or pathogenic assertions in the literature or databases. Disclaimer: This variant has not undergone full assessment. The following are preliminary notes: Frequency

Breakthrough Genomics
Classification: Benign. Review status: criteria provided, single submitter. Criteria: ACMG Guidelines, 2015. Collection method: not provided. Allele origin: germline. Inheritance: Autosomal dominant inheritance. Affected: yes.